The following is an entry in ClinVar:

ClinVar aggregate classification (germline): Uncertain significance (1 of 4 stars; one submission).

Conditions:
Neurofibromatosis, type 1 (NF1). Also called: Neurofibromatosis, type I; Peripheral type neurofibromatosis; VON RECKLINGHAUSEN DISEASE; NEUROFIBROMATOSIS, TYPE I, SOMATIC. Identifiers: Orphanet 636, MedGen C0027831, MONDO:0018975, OMIM 162200. Disease mechanism: loss of function.

Submission:

Genetics Department, Catlab
Classification: Uncertain significance for Neurofibromatosis, type 1. Last evaluated: 2025-04-29. Review status: criteria provided, single submitter. Criteria: ACMG Guidelines, 2015. Collection method: clinical testing. Allele origin: germline. Affected: yes. Observed: 1 variant allele.
Comment: The c.8185G>C variant is absent from gnomAD v4.1 (PM2_moderate) and has a REVEL score of 0.21 (BP4_supporting). The missense z-score assigned to the NF1 gene is 6.5427 (PP2_supporting). With all the available evidence, the variant is classified as of uncertain significance.

NM_001042492.3(NF1):c.8185G>C (p.Glu2729Gln)

Gene: NF1 (neurofibromin 1; plus strand). Cytogenetic location: 17q11.2.
Variant type: single nucleotide variant.
Coding change: c.8185G>C on transcript NM_001042492.3 (MANE Select); coding-DNA position 8185, G replaced by C.
Protein change: p.Glu2729Gln; replaces glutamic acid 2729 with glutamine.
Molecular consequence: missense variant.
Genome position (GRCh38, 1-based): chr17:31,360,511, G>C. VCF-style: chr17-31360511-G-C. GRCh37 (hg19) VCF-style: chr17-29687529-G-C.
Other names: c.8122G>C, p.Glu2708Gln (NM_000267.4); short protein forms E2708Q, E2729Q.
Identifiers: ClinVar variation 4537373 (VCV004537373.1).